The following is an entry in ClinVar:

NM_000264.5(PTCH1):c.2400C>A (p.Phe800Leu)

Genes: PTCH1 (patched 1; minus strand), LOC100507346 (uncharacterized LOC100507346; plus strand). Cytogenetic location: 9q22.32.
Variant type: single nucleotide variant.
Coding change: c.2400C>A on transcript NM_000264.5 (MANE Select); coding-DNA position 2400, C replaced by A.
Protein change: p.Phe800Leu; replaces phenylalanine 800 with leucine.
Molecular consequence: missense variant.
Genome position (GRCh38, 1-based): chr9:95,467,276, G>T on the plus strand (C>A on the coding strand, the complement: PTCH1 is on the minus strand). VCF-style: chr9-95467276-G-T. GRCh37 (hg19) VCF-style: chr9-98229558-G-T.
Other names: c.2202C>A, p.Phe734Leu (NM_001083602.3); c.2397C>A, p.Phe799Leu (NM_001083603.3); c.1947C>A, p.Phe649Leu (NM_001083604.3, NM_001083605.3, NM_001083606.3 and 1 more transcripts); c.2244C>A, p.Phe748Leu (NM_001354918.2); short protein forms F649L, F734L, F748L, F799L, F800L.
Identifiers: ClinVar variation 1026082 (VCV001026082.9), dbSNP rs1840091372, ClinGen allele CA374114343.

ClinVar aggregate classification (germline): Uncertain significance (1 of 4 stars; one submission).

Conditions:
Gorlin syndrome. Also called: Nevoid Basal Cell Carcinoma Syndrome; Basal cell nevus syndrome. Identifiers: Orphanet 377, MedGen C0004779, MONDO:0007187.

Submission:

Labcorp Genetics (formerly Invitae), Labcorp
Classification: Uncertain significance for Gorlin syndrome. Last evaluated: 2020-06-21. Review status: criteria provided, single submitter. Criteria: Invitae Variant Classification Sherloc (09022015). Collection method: clinical testing. Allele origin: germline.
Comment: This sequence change replaces phenylalanine with leucine at codon 800 of the PTCH1 protein (p.Phe800Leu). The phenylalanine residue is highly conserved and there is a small physicochemical difference between phenylalanine and leucine. This variant is not present in population databases (ExAC no frequency). In summary, the available evidence is currently insufficient to determine the role of this variant in disease. Therefore, it has been classified as a Variant of Uncertain Significance. Algorithms developed to predict the effect of missense changes on protein structure and function are either unavailable or do not agree on the potential impact of this missense change (SIFT: "Tolerated"; PolyPhen-2: "Possibly Damaging"; Align-GVGD: "Class C0"). This variant has not been reported in the literature in individuals with PTCH1-related conditions.